The following is an entry in ClinVar:

NM_145046.5(CALR3):c.158C>T (p.Ser53Leu)

Gene: CALR3 (calreticulin 3; minus strand). Cytogenetic location: 19p13.11.
Variant type: single nucleotide variant.
Coding change: c.158C>T on transcript NM_145046.5 (MANE Select); coding-DNA position 158, C replaced by T.
Protein change: p.Ser53Leu; replaces serine 53 with leucine.
Molecular consequence: missense variant.
Genome position (GRCh38, 1-based): chr19:16,495,786, G>A on the plus strand (C>T on the coding strand, the complement: CALR3 is on the minus strand). VCF-style: chr19-16495786-G-A. GRCh37 (hg19) VCF-style: chr19-16606597-G-A.
Other names: short protein forms S53L.
Identifiers: ClinVar variation 1449212 (VCV001449212.6), dbSNP rs2122154073, ClinGen allele CA404615528.
Genomic context (GRCh38, chr19:16,495,786, plus strand): 5'-AATTTGGTCCTGATTCTACACTAACCTTTATCTTTCTCTTTATGACCATAAAACTTGCCC[G>A]ACGAAAGTCTAAAATGCCCAAATCGGGAGTCATTGGTGGACTGCAACCATCGGTTTCTCC-3'
Protein context (NP_659483.2, residues 43-63): DSRFGHFRLS[Ser53Leu]GKFYGHKEKD

ClinVar aggregate classification (germline): Uncertain significance (1 of 4 stars; one submission).

Conditions:
Hypertrophic cardiomyopathy 19. Also called: Familial hypertrophic cardiomyopathy 19. Identifiers: MedGen CN077603, MONDO:0013476.

Submission:

Labcorp Genetics (formerly Invitae), Labcorp
Classification: Uncertain significance for Hypertrophic cardiomyopathy 19. Last evaluated: 2021-08-07. Review status: criteria provided, single submitter. Criteria: Invitae Variant Classification Sherloc (09022015). Collection method: clinical testing. Allele origin: germline.
Comment: This sequence change replaces serine with leucine at codon 53 of the CALR3 protein (p.Ser53Leu). The serine residue is weakly conserved and there is a large physicochemical difference between serine and leucine. This variant is not present in population databases (ExAC no frequency). This variant has not been reported in the literature in individuals affected with CALR3-related conditions. Algorithms developed to predict the effect of missense changes on protein structure and function are either unavailable or do not agree on the potential impact of this missense change (SIFT: "Tolerated"; PolyPhen-2: "Probably Damaging"; Align-GVGD: "Class C0"). In summary, the available evidence is currently insufficient to determine the role of this variant in disease. Therefore, it has been classified as a Variant of Uncertain Significance.